The following is an entry in ClinVar:

ClinVar aggregate classification (germline): Likely benign (0 of 4 stars; one submission).

Conditions:
COL15A1-related disorder. Also called: COL15A1-related condition.

Allele frequency attached by ClinVar (database versions not stated): TOPMed 0.00003; gnomAD exomes 0.00013; ExAC 0.00017; gnomAD 0.00018.
gnomAD v4.1: 209 of 1,614,018 alleles (0.013%); highest among the groups gnomAD compares: South Asian, 0.0099%; no homozygotes.

Submission:

PreventionGenetics, part of Exact Sciences
Classification: Likely benign for COL15A1-related condition. Last evaluated: 2022-04-18. Review status: no assertion criteria provided. Collection method: clinical testing. Allele origin: germline.
Comment: This variant is classified as likely benign based on ACMG/AMP sequence variant interpretation guidelines (Richards et al. 2015 PMID: 25741868, with internal and published modifications).

NM_001855.5(COL15A1):c.286G>A (p.Val96Met)

Gene: COL15A1 (collagen type XV alpha 1 chain; plus strand). Cytogenetic location: 9q22.33.
Variant type: single nucleotide variant.
Coding change: c.286G>A on transcript NM_001855.5 (MANE Select); coding-DNA position 286, G replaced by A.
Protein change: p.Val96Met; replaces valine 96 with methionine.
Molecular consequence: missense variant.
Genome position (GRCh38, 1-based): chr9:98,985,750, G>A. VCF-style: chr9-98985750-G-A. GRCh37 (hg19) VCF-style: chr9-101748032-G-A.
Other names: short protein forms V96M.
Identifiers: ClinVar variation 3031774 (VCV003031774.2), dbSNP rs370081942, ClinGen allele CA5154502.